The following is an entry in ClinVar:

NM_001253697.2(ERBIN):c.3968G>A (p.Arg1323Gln)

Gene: ERBIN (erbb2 interacting protein; plus strand). Cytogenetic location: 5q12.3.
Variant type: single nucleotide variant.
Coding change: c.3968G>A on transcript NM_001253697.2 (MANE Select); coding-DNA position 3968, G replaced by A.
Protein change: p.Arg1323Gln; replaces arginine 1323 with glutamine.
Molecular consequence: missense variant.
Genome position (GRCh38, 1-based): chr5:66,076,320, G>A. VCF-style: chr5-66076320-G-A. GRCh37 (hg19) VCF-style: chr5-65372148-G-A.
Other names: c.3638G>A, p.Arg1213Gln (NM_001006600.3); c.3845G>A, p.Arg1282Gln (NM_001253698.2, NM_018695.4); c.3989G>A, p.Arg1330Gln (NM_001253699.2); c.3833G>A, p.Arg1278Gln (NM_001253701.2); c.3638G>A (NM_001006600.2); short protein forms R1282Q, R1330Q, R1278Q, R1323Q, R1213Q.
Identifiers: ClinVar variation 1499064 (VCV001499064.10), dbSNP rs191439793, ClinGen allele CA3286772.

ClinVar aggregate classification (germline): Uncertain significance. Review status: criteria provided, single submitter (1 of 4 stars). 2 submissions from 2 submitters: Uncertain significance (1). 1 of the submissions does not count toward it. Last evaluated 2024-02-24.

Conditions:
ERBIN-related disorder. Also called: ERBIN-related condition.

gnomAD v4.1: 34 of 1,611,038 alleles (0.0021%); highest among the groups gnomAD compares: South Asian, 0.0089%; no homozygotes.

Submissions (2):

Labcorp Genetics (formerly Invitae), Labcorp
Classification: Uncertain significance. Last evaluated: 2024-02-24. Review status: criteria provided, single submitter. Criteria: Invitae Variant Classification Sherloc (09022015). Collection method: clinical testing. Allele origin: germline.
Comment: This sequence change replaces arginine, which is basic and polar, with glutamine, which is neutral and polar, at codon 1323 of the ERBIN protein (p.Arg1323Gln). This variant is present in population databases (rs191439793, gnomAD 0.01%). This variant has not been reported in the literature in individuals affected with ERBIN-related conditions. ClinVar contains an entry for this variant (Variation ID: 1499064). An algorithm developed to predict the effect of missense changes on protein structure and function (PolyPhen-2) suggests that this variant is likely to be disruptive. In summary, the available evidence is currently insufficient to determine the role of this variant in disease. Therefore, it has been classified as a Variant of Uncertain Significance.

PreventionGenetics, part of Exact Sciences
Classification: Uncertain significance for ERBIN-related condition. Last evaluated: 2023-10-30. Review status: no assertion criteria provided. Collection method: clinical testing. Allele origin: germline. Not counted in ClinVar's aggregate classification.
Comment: The ERBIN c.3638G>A variant is predicted to result in the amino acid substitution p.Arg1213Gln. To our knowledge, this variant has not been reported in the literature. This variant is reported in 0.010% of alleles in individuals of South Asian descent in gnomAD. At this time, the clinical significance of this variant is uncertain due to the absence of conclusive functional and genetic evidence.